The following is an entry in ClinVar:

NM_016648.4(LARP7):c.1415G>A (p.Arg472Gln)

Gene: LARP7 (La ribonucleoprotein 7, transcriptional regulator; plus strand). Cytogenetic location: 4q25.
Variant type: single nucleotide variant.
Coding change: c.1415G>A on transcript NM_016648.4 (MANE Select); coding-DNA position 1415, G replaced by A.
Protein change: p.Arg472Gln; replaces arginine 472 with glutamine.
Molecular consequence: missense variant.
Genome position (GRCh38, 1-based): chr4:112,650,581, G>A. VCF-style: chr4-112650581-G-A. GRCh37 (hg19) VCF-style: chr4-113571737-G-A.
Other names: c.1415G>A, p.Arg472Gln (NM_001267039.4, NM_001370978.1, NM_015454.3); c.1454G>A, p.Arg485Gln (NM_001370974.1, NM_001370975.1); c.1451G>A, p.Arg484Gln (NM_001370976.1, NM_001370977.1); c.1412G>A, p.Arg471Gln (NM_001370979.1, NM_001370980.1); c.1178G>A, p.Arg393Gln (NM_001370981.1, NM_001370982.1); short protein forms R472Q, R471Q, R485Q, R393Q, R484Q.
Identifiers: ClinVar variation 1931814 (VCV001931814.2), dbSNP rs1317929502, ClinGen allele CA357929818.

ClinVar aggregate classification (germline): Uncertain significance (1 of 4 stars; one submission).

Allele frequency attached by ClinVar (database versions not stated): gnomAD 0.00001; TOPMed 0.00001.
gnomAD v4.1: 11 of 1,611,858 alleles (0.00068%); highest among the groups gnomAD compares: Middle Eastern, 0.033%; no homozygotes.

Submission:

Labcorp Genetics (formerly Invitae), Labcorp
Classification: Uncertain significance. Last evaluated: 2022-08-22. Review status: criteria provided, single submitter. Criteria: Invitae Variant Classification Sherloc (09022015). Collection method: clinical testing. Allele origin: germline.
Comment: This sequence change replaces arginine, which is basic and polar, with glutamine, which is neutral and polar, at codon 472 of the LARP7 protein (p.Arg472Gln). This variant is present in population databases (no rsID available, gnomAD 0.007%). This variant has not been reported in the literature in individuals affected with LARP7-related conditions. Algorithms developed to predict the effect of missense changes on protein structure and function are either unavailable or do not agree on the potential impact of this missense change (SIFT: "Deleterious"; PolyPhen-2: "Benign"; Align-GVGD: "Class C0"). Algorithms developed to predict the effect of sequence changes on RNA splicing suggest that this variant may disrupt the consensus splice site. In summary, the available evidence is currently insufficient to determine the role of this variant in disease. Therefore, it has been classified as a Variant of Uncertain Significance.